The following is an entry in ClinVar:

ClinVar aggregate classification (germline): Uncertain significance. Review status: criteria provided, multiple submitters, no conflicts (2 of 4 stars). 4 submissions from 4 submitters: Uncertain significance (4). Last evaluated 2026-05-29.

Conditions:
Developmental and epileptic encephalopathy, 12 (DEE12). Identifiers: MedGen C3150988, MONDO:0013389, OMIM 613722.
Inborn genetic diseases. Identifiers: MedGen C0950123, MeSH D030342.

Allele frequency attached by ClinVar (database versions not stated): gnomAD exomes 0.00011; ExAC 0.00015; gnomAD 0.00034; TOPMed 0.00039; 1000 Genomes Project 30x 0.00047; 1000 Genomes Project 0.00060; ESP Exome Variant Server 0.00062.
gnomAD v4.1: 119 of 1,610,578 alleles (0.0074%); highest among the groups gnomAD compares: African/African-American, 0.14%; 1 homozygote.

Submissions (4):

GeneDx
Classification: Uncertain significance. Last evaluated: 2026-05-29. Review status: criteria provided, single submitter. Criteria: GeneDx Variant Classification Process June 2021. Collection method: clinical testing. Allele origin: germline.
Comment: In silico analysis suggests that this missense variant does not alter protein structure/function; Has not been previously published as pathogenic or benign to our knowledge

Labcorp Genetics (formerly Invitae), Labcorp
Classification: Uncertain significance for Developmental and epileptic encephalopathy, 12. Last evaluated: 2026-02-02. Review status: criteria provided, single submitter. Criteria: Invitae Variant Classification Sherloc (09022015). Collection method: clinical testing. Allele origin: germline.
Comment: This sequence change replaces threonine, which is neutral and polar, with methionine, which is neutral and non-polar, at codon 509 of the PLCB1 protein (p.Thr509Met). This variant is present in population databases (rs150686631, gnomAD 0.2%). This missense change has been observed in individuals with clinical features of developmental and epileptic encephalopathy (internal data). ClinVar contains an entry for this variant (Variation ID: 646813). Invitae Evidence Modeling of protein sequence and biophysical properties (such as structural, functional, and spatial information, amino acid conservation, physicochemical variation, residue mobility, and thermodynamic stability) indicates that this missense variant is not expected to disrupt PLCB1 protein function with a negative predictive value of 80%. In summary, the available evidence is currently insufficient to determine the role of this variant in disease. Therefore, it has been classified as a Variant of Uncertain Significance.

Ambry Genetics
Classification: Uncertain significance for Inborn genetic diseases. Last evaluated: 2019-03-26. Review status: criteria provided, single submitter. Criteria: Ambry Variant Classification Scheme 2023. Collection method: clinical testing. Allele origin: germline.
Comment: The p.T509M variant (also known as c.1526C>T), located in coding exon 15 of the PLCB1 gene, results from a C to T substitution at nucleotide position 1526. The threonine at codon 509 is replaced by methionine, an amino acid with similar properties. This amino acid position is not well conserved in available vertebrate species. In addition, this alteration is predicted to be tolerated by in silico analysis. Since supporting evidence is limited at this time, the clinical significance of this alteration remains unclear.

Baylor Genetics
Classification: Uncertain significance for Developmental and epileptic encephalopathy, 12. Last evaluated: 2018-09-11. Review status: criteria provided, single submitter. Criteria: ACMG Guidelines, 2015. Collection method: clinical testing. Allele origin: paternal. Affected: yes.
Comment: This variant was determined to be of uncertain significance according to ACMG Guidelines, 2015 [PMID:25741868].

NM_015192.4(PLCB1):c.1526C>T (p.Thr509Met)

Gene: PLCB1 (phospholipase C beta 1; plus strand). Cytogenetic location: 20p12.3.
Variant type: single nucleotide variant.
Coding change: c.1526C>T on transcript NM_015192.4 (MANE Select); coding-DNA position 1526, C replaced by T.
Protein change: p.Thr509Met; replaces threonine 509 with methionine.
Molecular consequence: missense variant.
Genome position (GRCh38, 1-based): chr20:8,722,366, C>T. VCF-style: chr20-8722366-C-T. GRCh37 (hg19) VCF-style: chr20-8703013-C-T.
Other names: c.1526C>T, p.Thr509Met (NM_182734.3); short protein forms T509M.
Identifiers: ClinVar variation 646813 (VCV000646813.13), dbSNP rs150686631, ClinGen allele CA9759979.